The following is an entry in ClinVar:

ClinVar aggregate classification (germline): Uncertain significance (1 of 4 stars; one submission).

gnomAD v4.1: 1 of 1,208,366 alleles (0.000083%); highest among the groups gnomAD compares: Non-Finnish European, 0.00011%; no homozygotes.

Submission:

GeneDx
Classification: Uncertain significance. Last evaluated: 2024-10-19. Review status: criteria provided, single submitter. Criteria: GeneDx Variant Classification Process June 2021. Collection method: clinical testing. Allele origin: germline. Affected: yes.
Comment: Not observed at significant frequency in large population cohorts (gnomAD); In silico analysis supports that this missense variant has a deleterious effect on protein structure/function; Has not been previously published as pathogenic or benign to our knowledge

NM_001123385.2(BCOR):c.913C>T (p.Pro305Ser)

Genes: BCOR (BCL6 corepressor; minus strand), LOC126863239 (MED14-independent group 3 enhancer GRCh37_chrX:39932994-39934193; plus strand). Cytogenetic location: Xp11.4.
Variant type: single nucleotide variant.
Coding change: c.913C>T on transcript NM_001123385.2 (MANE Select); coding-DNA position 913, C replaced by T.
Protein change: p.Pro305Ser; replaces proline 305 with serine.
Molecular consequence: missense variant.
Genome position (GRCh38, 1-based): chrX:40,074,433, G>A on the plus strand (C>T on the coding strand, the complement: BCOR is on the minus strand). VCF-style: chrX-40074433-G-A. GRCh37 (hg19) VCF-style: chrX-39933686-G-A.
Other names: c.913C>T, p.Pro305Ser (NM_001123383.2, NM_001123384.2, NM_017745.6); short protein forms P305S.
Identifiers: ClinVar variation 3781302 (VCV003781302.1).